The following is an entry in ClinVar:

NM_016955.4(SEPSECS):c.312_313delinsTT (p.Gln105Ter)

Gene: SEPSECS (Sep (O-phosphoserine) tRNA:Sec (selenocysteine) tRNA synthase; minus strand). Cytogenetic location: 4p15.2.
Variant type: Indel.
Coding change: c.312_313delinsTT on transcript NM_016955.4 (MANE Select); coding-DNA positions 312 to 313, GC replaced by TT.
Protein change: p.Gln105Ter; replaces glutamine 105 with a stop codon.
Molecular consequence: nonsense.
Genome position (GRCh38, 1-based): chr4:25,156,931-25,156,932, GC replaced by AA on the plus strand (GC replaced by TT on the coding strand, the reverse complement: SEPSECS is on the minus strand). VCF-style: chr4-25156931-GC-AA. GRCh37 (hg19) VCF-style: chr4-25158553-GC-AA.
Other names: c.567_568delinsTT, p.Gln190Ter (NM_001410714.1); short protein forms Q105*, Q190*.
Identifiers: ClinVar variation 4815891 (VCV004815891.1).

ClinVar aggregate classification (germline): Likely pathogenic (1 of 4 stars; one submission).

Conditions:
Pontocerebellar hypoplasia type 2D (PCH2D). Also called: Progressive cerebello-cerebral atrophy. Identifiers: Orphanet 247198, Orphanet 2524, MedGen C3151140, MONDO:0013438, OMIM 613811.

Submission:

Natera, Inc.
Classification: Likely pathogenic for Pontocerebellar hypoplasia type 2d. Last evaluated: 2025-10-02. Review status: criteria provided, single submitter. Criteria: Natera Variant Classification Schema (03/2026). Collection method: clinical testing. Allele origin: germline.
Comment: The c.312_313delinsTT variant in SEPSECS is a deletion-insertion (delins) variant predicted to replace one or more nucleotides with a different sequence. This variant is expected to result in nonsense mediated decay, truncation, or a dysfunctional protein product. This variant is rare in the general population with a frequency below the threshold expected for the associated phenotype(s). Given the available evidence, this variant is classified as Likely Pathogenic.